The following is an entry in ClinVar:

ClinVar aggregate classification (germline): Pathogenic (1 of 4 stars; one submission).

Conditions:
Cerebral cavernous malformation (CCM). Also called: Cerebral cavernous malformations; CAVERNOUS ANGIOMA, FAMILIAL; CAVERNOUS ANGIOMATOUS MALFORMATIONS; CEREBRAL CAPILLARY MALFORMATIONS; Cavernous Hemangioma of Brain; Cerebral cavernous hemangioma (type). Identifiers: Orphanet 221061, MedGen C2919945, MONDO:0000820, OMIM 116860, HP:0033522.

Submission:

Labcorp Genetics (formerly Invitae), Labcorp
Classification: Pathogenic for Cerebral cavernous malformation. Last evaluated: 2025-10-01. Review status: criteria provided, single submitter. Criteria: Invitae Variant Classification Sherloc (09022015). Collection method: clinical testing. Allele origin: germline.
Comment: This sequence change creates a premature translational stop signal (p.Ile709Asnfs*25) in the KRIT1 gene. While this is not anticipated to result in nonsense mediated decay, it is expected to disrupt the last 28 amino acid(s) of the KRIT1 protein. This variant is not present in population databases (gnomAD no frequency). This variant has not been reported in the literature in individuals affected with KRIT1-related conditions. This variant disrupts a region of the KRIT1 protein in which other variant(s) (p.Thr712Glnfs*8) have been determined to be pathogenic (internal data). This suggests that this is a clinically significant region of the protein, and that variants that disrupt it are likely to be disease-causing. For these reasons, this variant has been classified as Pathogenic.

NM_194454.3(KRIT1):c.2125dup (p.Ile709fs)

Gene: KRIT1 (KRIT1 ankyrin repeat containing; minus strand). Cytogenetic location: 7q21.2.
Variant type: Duplication.
Coding change: c.2125dup on transcript NM_194454.3 (MANE Select); coding-DNA position 2125, one base duplicated (A; older notation c.2125dupA).
Protein change: p.Ile709fs; shifts the reading frame from isoleucine 709.
Molecular consequence: frameshift variant.
Genome position (GRCh38, 1-based): chr7:92,201,324, T duplicated on the plus strand (A on the coding strand, the reverse complement: KRIT1 is on the minus strand). VCF-style (leftmost placement, unchanged base first): chr7-92201323-A-AT. GRCh37 (hg19) VCF-style: chr7-91830637-A-AT.
Other names: c.1981dup, p.Ile661fs (NM_001013406.2, NM_001350669.1, NM_001350670.1); c.1411dup, p.Ile471fs (NM_001350671.1); c.2125dup, p.Ile709fs (NM_001350672.1, NM_001350673.1, NM_001350674.1 and 26 more transcripts); short protein forms I661fs, I471fs, I709fs.
Identifiers: ClinVar variation 4728275 (VCV004728275.1).
Genomic context (GRCh38, chr7:92,201,323, plus strand): 5'-TACTAACACAATAGTTTATGAAGTCCAAAATAAATGATACTTACCTGTTTTGTATGTACT[A>AT]TAAAGCTCATTTTATTTTCCATGCTATGGATCTGAAAACAAGTATCAGTATCTCCCAATT-3'